The following is an entry in ClinVar:

ClinVar aggregate classification (germline): Conflicting classifications of pathogenicity. Review status: criteria provided, conflicting classifications (1 of 4 stars). 6 submissions from 6 submitters: Pathogenic (1); Likely pathogenic (1); Uncertain significance (4). Last evaluated 2026-05-20.

Conditions:
Ectodermal dysplasia 14, hair/tooth type with or without hypohidrosis. Identifiers: Orphanet 685067, MedGen C4748560, MONDO:0032584, OMIM 618180.
Autosomal recessive nonsyndromic hearing loss 98. Also called: Deafness, autosomal recessive 98. Identifiers: Orphanet 90636, MedGen C3553932, MONDO:0013929, OMIM 614861.
TSPEAR-related disorder. Also called: TSPEAR-related condition.
Inborn genetic diseases. Identifiers: MedGen C0950123, MeSH D030342.

Allele frequency attached by ClinVar (database versions not stated): ExAC 0.00002; gnomAD exomes 0.00003 and 0.00004; TOPMed 0.00003; gnomAD 0.00004.
gnomAD v4.1: 78 of 1,613,992 alleles (0.0048%); highest among the groups gnomAD compares: Non-Finnish European, 0.0056%; no homozygotes.

Submissions (6):

GeneDx
Classification: Likely pathogenic. Last evaluated: 2026-05-20. Review status: criteria provided, single submitter. Criteria: GeneDx Variant Classification Process June 2021. Collection method: clinical testing. Allele origin: germline.
Comment: Observed with a pathogenic variant in a patient with features of ectodermal dysplasia reported in the published literature, but it is not known whether the variants occurred on the same (in cis) or on different (in trans) alleles (PMID: 37009414); Not observed at significant frequency in large population cohorts (gnomAD); In silico analysis supports that this missense variant has a deleterious effect on protein structure/function; This variant is associated with the following publications: (PMID: 37009414)

PreventionGenetics, part of Exact Sciences
Classification: Uncertain significance for TSPEAR-related condition. Last evaluated: 2025-12-02. Review status: criteria provided, single submitter. Criteria: ACMG Guidelines, 2015. Collection method: clinical testing. Allele origin: germline.
Comment: The TSPEAR c.1697A>G variant is predicted to result in the amino acid substitution p.Tyr566Cys. This variant was reported together with second TSPEAR variant in an individual with Ectodermal dysplasia 14 (Table S1, Jackson et al. 2023. PubMed ID: 37009414). This variant is reported in 0.0070% of alleles in individuals of European (Non-Finnish) descent in gnomAD. At this time, the clinical significance of this variant is uncertain due to the absence of conclusive functional and genetic evidence.

Labcorp Genetics (formerly Invitae), Labcorp
Classification: Pathogenic. Last evaluated: 2025-08-04. Review status: criteria provided, single submitter. Criteria: Invitae Variant Classification Sherloc (09022015). Collection method: clinical testing. Allele origin: germline.
Comment: This sequence change replaces tyrosine, which is neutral and polar, with cysteine, which is neutral and slightly polar, at codon 566 of the TSPEAR protein (p.Tyr566Cys). This variant is present in population databases (rs782088056, gnomAD 0.007%). This missense change has been observed in individual(s) with clinical features of ectodermal dysplasia (PMID: 37009414; internal data). In at least one individual the data is consistent with being in trans (on the opposite chromosome) from a pathogenic variant. ClinVar contains an entry for this variant (Variation ID: 505194). Invitae Evidence Modeling of protein sequence and biophysical properties (such as structural, functional, and spatial information, amino acid conservation, physicochemical variation, residue mobility, and thermodynamic stability) has been performed for this missense variant. However, the output from this modeling did not meet the statistical confidence thresholds required to predict the impact of this variant on TSPEAR protein function. For these reasons, this variant has been classified as Pathogenic.

Ambry Genetics
Classification: Uncertain significance for Inborn genetic diseases. Last evaluated: 2023-06-30. Review status: criteria provided, single submitter. Criteria: Ambry Variant Classification Scheme 2023. Collection method: clinical testing. Allele origin: germline.

Fulgent Genetics
Classification: Uncertain significance for Autosomal recessive nonsyndromic hearing loss 98; Ectodermal dysplasia 14, hair/tooth type with or without hypohidrosis. Last evaluated: 2021-09-23. Review status: criteria provided, single submitter. Criteria: ACMG Guidelines, 2015. Collection method: clinical testing. Allele origin: unknown.

Laboratory for Molecular Medicine, Mass General Brigham Personalized Medicine
Classification: Uncertain significance. Last evaluated: 2016-06-23. Review status: criteria provided, single submitter. Criteria: LMM Criteria. Collection method: clinical testing. Allele origin: germline. Observed: 1 variant allele.
Comment: The p.Tyr566Cys variant in TSPEAR has not been previously reported in individual s with hearing loss, but has been identified in 2/66376 European chromosomes by the Exome Aggregation Consortium (ExAC; dbSNP rs 782088056). Although this variant has been seen in the general population, its f requency is not high enough to rule out a pathogenic role. Computational predict ion tools and conservation analyses suggest that this variant may impact the pro tein, though this information is not predictive enough to determine pathogenicit y. In summary, the clinical significance of the p.Tyr566Cys variant is uncertain .

Literature cited by the submitters: PubMed 37009414 (cited by Labcorp Genetics (formerly Invitae), Labcorp).

NM_144991.3(TSPEAR):c.1697A>G (p.Tyr566Cys)

Genes: TSPEAR (thrombospondin type laminin G domain and EAR repeats; minus strand), TSPEAR-AS1 (TSPEAR antisense RNA 1; plus strand), LOC126653398 (CDK7 strongly-dependent group 2 enhancer GRCh37_chr21:45928270-45929469; plus strand). Cytogenetic location: 21q22.3.
Variant type: single nucleotide variant.
Coding change: c.1697A>G on transcript NM_144991.3 (MANE Select); coding-DNA position 1697, A replaced by G.
Protein change: p.Tyr566Cys; replaces tyrosine 566 with cysteine.
Molecular consequence: missense variant. On other transcripts: non-coding transcript variant (1).
Genome position (GRCh38, 1-based): chr21:44,509,256, T>C on the plus strand (A>G on the coding strand, the complement: TSPEAR is on the minus strand). VCF-style: chr21-44509256-T-C. GRCh37 (hg19) VCF-style: chr21-45929139-T-C.
Other names: c.1493A>G, p.Tyr498Cys (NM_001272037.2); short protein forms Y566C, Y498C.
Identifiers: ClinVar variation 505194 (VCV000505194.16), dbSNP rs782088056, ClinGen allele CA10056416.